The following is an entry in ClinVar:

NM_000238.4(KCNH2):c.1681G>C (p.Ala561Pro)

Gene: KCNH2 (potassium voltage-gated channel subfamily H member 2; minus strand). Cytogenetic location: 7q36.1.
Variant type: single nucleotide variant.
Coding change: c.1681G>C on transcript NM_000238.4 (MANE Select); coding-DNA position 1681, G replaced by C.
Protein change: p.Ala561Pro; replaces alanine 561 with proline.
Molecular consequence: missense variant.
Genome position (GRCh38, 1-based): chr7:150,951,712, C>G on the plus strand (G>C on the coding strand, the complement: KCNH2 is on the minus strand). VCF-style: chr7-150951712-C-G. GRCh37 (hg19) VCF-style: chr7-150648800-C-G.
Other names: c.1681G>C (LRG_288t1); c.661G>C, p.Ala221Pro (NM_001204798.2, NM_172057.3); c.1393G>C, p.Ala465Pro (NM_001406753.1, NM_001406756.1); c.1504G>C, p.Ala502Pro (NM_001406755.1); c.1381G>C, p.Ala461Pro (NM_001406757.1); c.1681G>C, p.Ala561Pro (NM_172056.3); short protein forms A221P, A561P, A502P, A465P, A461P.
Identifiers: ClinVar variation 67230 (VCV000067230.7), dbSNP rs199472921, ClinGen allele CA005027.

ClinVar aggregate classification (germline): Pathogenic. Review status: criteria provided, single submitter (1 of 4 stars). 2 submissions from 2 submitters: Pathogenic (1). 1 of the submissions does not count toward it. Last evaluated 2018-02-05.

Conditions:
Cardiovascular phenotype. Identifiers: MedGen CN230736.
Familial long QT syndrome (RWS). Also called: Congenital long QT syndrome; Romano-Ward syndrome; VENTRICULAR FIBRILLATION WITH PROLONGED QT INTERVAL. Identifiers: Orphanet 768, MedGen C1141890, MONDO:0019171.

Submissions (2):

Ambry Genetics
Classification: Pathogenic for Cardiovascular phenotype. Last evaluated: 2018-02-05. Review status: criteria provided, single submitter. Criteria: Ambry Variant Classification Scheme 2023. Collection method: clinical testing. Allele origin: germline.
Comment: The p.A561P pathogenic mutation (also known as c.1681G>C), located in coding exon 7 of the KCNH2 gene, results from a G to C substitution at nucleotide position 1681. The alanine at codon 561 is replaced by proline, an amino acid with highly similar properties. This alteration was detected in a proband with long QT syndrome (LQTS) with drug-induced torsades de pointes as well as in the proband's father and brother, both of whom exhibited prolonged QTc intervals (Bellocq C et al. Mol Pharmacol. 2004;66(5):1093-102). In vitro functional studies have reported that this alteration results in abnormal protein trafficking and altered ion channel function (Bellocq C et al. Mol Pharmacol. 2004;66(5):1093-102; Anderson CL et al. Nat Commun. 2014;5:5535; Jouni M et al. J Am Heart Assoc. 2015;4(9):e002159). Two disease-causing mutations, p.A561V and p.A561T, have been described in the same codon (Curran ME et al. Cell. 1995;80(5):795-803; Dausse E et al. J Mol Cell Cardiol. 1996;28(8):1609-15). In addition, internal structural analysis indicates that this alteration, which occurs in the S5 domain of the central pore, is structurally disruptive (Ambry internal data; Long SB et al. Nature. 2007;450(7168):376-82). Based on the supporting evidence, p.A561P is interpreted as a disease-causing mutation.

Cardiovascular Biomedical Research Unit, Royal Brompton & Harefield NHS Foundation Trust
No classification provided. Condition: Familial long QT syndrome. Review status: no classification provided. Collection method: literature only. Allele origin: germline. Not counted in ClinVar's aggregate classification.
Comment: This variant has been reported as associated with Long QT syndrome in the following publications (PMID:15280442;PMID:15159330). This is a literature report, and does not necessarily reflect the clinical interpretation of the Imperial College / Royal Brompton Cardiovascular Genetics laboratory.

Literature cited by the submitters: PubMed 15280442 (cited by Ambry Genetics and Cardiovascular Biomedical Research Unit, Royal Brompton & Harefield NHS Foundation Trust); PubMed 18004376 (cited by Ambry Genetics); PubMed 25417810 (cited by Ambry Genetics); PubMed 26330336 (cited by Ambry Genetics); PubMed 15159330 (cited by Cardiovascular Biomedical Research Unit, Royal Brompton & Harefield NHS Foundation Trust); PubMed 22581653 (cited by Cardiovascular Biomedical Research Unit, Royal Brompton & Harefield NHS Foundation Trust).